The following is an entry in ClinVar:

ClinVar aggregate classification (germline): Uncertain significance (1 of 4 stars; one submission).

Allele frequency attached by ClinVar (database versions not stated): gnomAD exomes below 0.00001; TOPMed 0.00001.
gnomAD v4.1: 1 of 1,613,638 alleles (0.000062%); highest among the groups gnomAD compares: Non-Finnish European, 0.000085%; no homozygotes.

Submission:

Labcorp Genetics (formerly Invitae), Labcorp
Classification: Uncertain significance. Last evaluated: 2019-10-28. Review status: criteria provided, single submitter. Criteria: Invitae Variant Classification Sherloc (09022015). Collection method: clinical testing. Allele origin: germline.
Comment: This sequence change replaces alanine with threonine at codon 338 of the MAPKAPK3 protein (p.Ala338Thr). The alanine residue is highly conserved and there is a small physicochemical difference between alanine and threonine. This variant is not present in population databases (ExAC no frequency). This variant has not been reported in the literature in individuals with MAPKAPK3-related conditions. Algorithms developed to predict the effect of missense changes on protein structure and function are either unavailable or do not agree on the potential impact of this missense change (SIFT: "Deleterious"; PolyPhen-2: "Benign"; Align-GVGD: "Class C0"). In summary, the available evidence is currently insufficient to determine the role of this variant in disease. Therefore, it has been classified as a Variant of Uncertain Significance.

NM_001243925.2(MAPKAPK3):c.1012G>A (p.Ala338Thr)

Gene: MAPKAPK3 (MAPK activated protein kinase 3; plus strand). Cytogenetic location: 3p21.2.
Variant type: single nucleotide variant.
Coding change: c.1012G>A on transcript NM_001243925.2 (MANE Select); coding-DNA position 1012, G replaced by A.
Protein change: p.Ala338Thr; replaces alanine 338 with threonine.
Molecular consequence: missense variant.
Genome position (GRCh38, 1-based): chr3:50,647,909, G>A. VCF-style: chr3-50647909-G-A. GRCh37 (hg19) VCF-style: chr3-50685340-G-A.
Other names: c.1012G>A, p.Ala338Thr (NM_001243926.2, NM_004635.5); short protein forms A338T.
Identifiers: ClinVar variation 962928 (VCV000962928.6), dbSNP rs1364236066, ClinGen allele CA352939658.